The following is an entry in ClinVar:

ClinVar aggregate classification (germline): Uncertain significance. Review status: criteria provided, multiple submitters, no conflicts (2 of 4 stars). 2 submissions from 2 submitters: Uncertain significance (2). Last evaluated 2025-08-08.

Conditions:
Spastic paraplegia 81, autosomal recessive. Identifiers: MedGen C5394033, MONDO:0032905, OMIM 618768.

Allele frequency attached by ClinVar (database versions not stated): ESP Exome Variant Server 0.00017; gnomAD 0.00024 and 0.00025; TOPMed 0.00026; gnomAD exomes 0.00030 and 0.00032; 1000 Genomes Project 30x 0.00031; 1000 Genomes Project 0.00040; ExAC 0.00040.

Submissions (2):

Ambry Genetics
Classification: Uncertain significance. Last evaluated: 2025-08-08. Review status: criteria provided, single submitter. Criteria: Ambry Variant Classification Scheme 2023. Collection method: clinical testing. Allele origin: germline.

Laboratorio de Genetica e Diagnostico Molecular, Hospital Israelita Albert Einstein
Classification: Uncertain significance for Spastic paraplegia 81, autosomal recessive. Last evaluated: 2021-05-27. Review status: criteria provided, single submitter. Criteria: ACMG Guidelines, 2015. Collection method: clinical testing. Allele origin: germline. Affected: yes.
Comment: ACMG classification criteria: BP4 supporting

NM_033505.4(SELENOI):c.631C>T (p.Pro211Ser)

Gene: SELENOI (selenoprotein I; plus strand). Cytogenetic location: 2p23.3.
Variant type: single nucleotide variant.
Coding change: c.631C>T on transcript NM_033505.4 (MANE Select); coding-DNA position 631, C replaced by T.
Protein change: p.Pro211Ser; replaces proline 211 with serine.
Molecular consequence: missense variant. On other transcripts: non-coding transcript variant (1).
Genome position (GRCh38, 1-based): chr2:26,375,097, C>T. VCF-style: chr2-26375097-C-T. GRCh37 (hg19) VCF-style: chr2-26597965-C-T.
Other names: c.631C>T (NM_033505.2); short protein forms P211S.
Identifiers: ClinVar variation 1683737 (VCV001683737.3), dbSNP rs140004348, ClinGen allele CA1561577.